The following is an entry in ClinVar:

NM_001281740.3(FHOD3):c.814-6T>C

Gene: FHOD3 (formin homology 2 domain containing 3; plus strand). Cytogenetic location: 18q12.2.
Variant type: single nucleotide variant.
Coding change: c.814-6T>C on transcript NM_001281740.3 (MANE Select); 6 bases into the intron before coding-DNA position 814, T replaced by C.
Molecular consequence: intron variant.
Genome position (GRCh38, 1-based): chr18:36,611,946, T>C. VCF-style: chr18-36611946-T-C. GRCh37 (hg19) VCF-style: chr18-34191909-T-C.
Other names: c.814-6T>C (NM_025135.5, NM_001281739.3, NM_001281740.2).
Identifiers: ClinVar variation 721884 (VCV000721884.6), dbSNP rs372746494, ClinGen allele CA8941441.

ClinVar aggregate classification (germline): Benign/Likely benign. Review status: criteria provided, multiple submitters, no conflicts (2 of 4 stars). 4 submissions from 4 submitters: Benign (2); Likely benign (2). Last evaluated 2026-03-27.

Conditions:
FHOD3-related disorder. Also called: FHOD3-related condition.

Allele frequency attached by ClinVar (database versions not stated): gnomAD exomes 0.00019; ExAC 0.00023; 1000 Genomes Project 30x 0.00031; 1000 Genomes Project 0.00040; gnomAD 0.00069 and 0.00078; TOPMed 0.00111; ESP Exome Variant Server 0.00115.
gnomAD v4.1: 217 of 1,612,852 alleles (0.013%); highest among the groups gnomAD compares: African/African-American, 0.26%; 1 homozygote.

Submissions (4):

Molecular Diagnostic Laboratory for Inherited Cardiovascular Disease, Montreal Heart Institute
Classification: Benign. Last evaluated: 2026-03-27. Review status: criteria provided, single submitter. Criteria: ACMG Guidelines, 2015. Collection method: clinical testing. Allele origin: germline. Affected: no.

PreventionGenetics, part of Exact Sciences
Classification: Likely benign for FHOD3-related condition. Last evaluated: 2026-02-25. Review status: criteria provided, single submitter. Criteria: ACMG Guidelines, 2015. Collection method: clinical testing. Allele origin: germline.
Comment: This variant is classified as likely benign based on ACMG/AMP sequence variant interpretation guidelines (Richards et al. 2015 PMID: 25741868, with internal and published modifications).

Blueprint Genetics
Classification: Likely benign. Last evaluated: 2024-06-10. Review status: criteria provided, single submitter. Criteria: ACMG Guidelines, 2015. Collection method: clinical testing. Allele origin: germline.

Labcorp Genetics (formerly Invitae), Labcorp
Classification: Benign. Last evaluated: 2018-06-27. Review status: criteria provided, single submitter. Criteria: Invitae Variant Classification Sherloc (09022015). Collection method: clinical testing. Allele origin: germline.